The following is an entry in ClinVar:

ClinVar aggregate classification (germline): Uncertain significance (1 of 4 stars; one submission).

Allele frequency attached by ClinVar (database versions not stated): gnomAD exomes 0.00001; TOPMed 0.00001; ExAC 0.00002.
gnomAD v4.1: 9 of 1,589,960 alleles (0.00057%); highest among the groups gnomAD compares: Non-Finnish European, 0.0006%; no homozygotes.

Submission:

Labcorp Genetics (formerly Invitae), Labcorp
Classification: Uncertain significance. Last evaluated: 2022-03-06. Review status: criteria provided, single submitter. Criteria: Invitae Variant Classification Sherloc (09022015). Collection method: clinical testing. Allele origin: germline.
Comment: This sequence change replaces methionine, which is neutral and non-polar, with threonine, which is neutral and polar, at codon 580 of the PLEKHM2 protein (p.Met580Thr). This variant is present in population databases (rs760678464, gnomAD 0.002%). This variant has not been reported in the literature in individuals affected with PLEKHM2-related conditions. Algorithms developed to predict the effect of missense changes on protein structure and function output the following: SIFT: "Tolerated"; PolyPhen-2: "Benign"; Align-GVGD: "Class C0". The threonine amino acid residue is found in multiple mammalian species, which suggests that this missense change does not adversely affect protein function. In summary, the available evidence is currently insufficient to determine the role of this variant in disease. Therefore, it has been classified as a Variant of Uncertain Significance.

NM_015164.4(PLEKHM2):c.1739T>C (p.Met580Thr)

Gene: PLEKHM2 (pleckstrin homology and RUN domain containing M2; plus strand). Cytogenetic location: 1p36.21.
Variant type: single nucleotide variant.
Coding change: c.1739T>C on transcript NM_015164.4 (MANE Select); coding-DNA position 1739, T replaced by C.
Protein change: p.Met580Thr; replaces methionine 580 with threonine.
Molecular consequence: missense variant.
Genome position (GRCh38, 1-based): chr1:15,727,811, T>C. VCF-style: chr1-15727811-T-C. GRCh37 (hg19) VCF-style: chr1-16054306-T-C.
Other names: c.1679T>C, p.Met560Thr (NM_001410755.1); short protein forms M560T, M580T.
Identifiers: ClinVar variation 1989940 (VCV001989940.4), dbSNP rs760678464, ClinGen allele CA616984.
Genomic context (GRCh38, chr1:15,727,811, plus strand): 5'-CGTGTCTGAGTAGCGCTGAGGATTCTGGGGTGGATGAGGGACAGGGGAGCCCTTCGGAGA[T>C]GGTCCATTCCTCGGAGTTCAGGTAACAAGACTCTGCAGCTGGCATGGGACTCTCCCAGCC-3'
Protein context (NP_055979.2, residues 570-590): VDEGQGSPSE[Met580Thr]VHSSEFRVDN